The following is an entry in ClinVar:

NM_001366722.1(GRIP1):c.1652G>A (p.Ser551Asn)

Gene: GRIP1 (glutamate receptor interacting protein 1; minus strand). Cytogenetic location: 12q14.3.
Variant type: single nucleotide variant.
Coding change: c.1652G>A on transcript NM_001366722.1 (MANE Select); coding-DNA position 1652, G replaced by A.
Protein change: p.Ser551Asn; replaces serine 551 with asparagine.
Molecular consequence: missense variant.
Genome position (GRCh38, 1-based): chr12:66,444,619, C>T on the plus strand (G>A on the coding strand, the complement: GRIP1 is on the minus strand). VCF-style: chr12-66444619-C-T. GRCh37 (hg19) VCF-style: chr12-66838399-C-T.
Other names: c.1496G>A, p.Ser499Asn (NM_001178074.2, NM_001379351.1, NM_021150.4); c.1571G>A, p.Ser524Asn (NM_001366723.1, NM_001379348.1); c.1574G>A, p.Ser525Asn (NM_001366724.1, NM_001379347.1); c.1730G>A, p.Ser577Asn (NM_001379345.1); c.1652G>A, p.Ser551Asn (NM_001379346.1); c.1499G>A, p.Ser500Asn (NM_001379349.1); short protein forms S499N, S500N, S524N, S525N, S551N, S577N.
Identifiers: ClinVar variation 3336557 (VCV003336557.1).

ClinVar aggregate classification (germline): Uncertain significance (1 of 4 stars; one submission).

gnomAD v4.1: 2 of 1,613,884 alleles (0.00012%); highest among the groups gnomAD compares: Non-Finnish European, 0.00017%; no homozygotes.

Submission:

Women's Health and Genetics/Laboratory Corporation of America, LabCorp
Classification: Uncertain significance. Last evaluated: 2024-05-16. Review status: criteria provided, single submitter. Criteria: LabCorp Variant Classification Summary - May 2015. Collection method: clinical testing. Allele origin: germline.
Comment: Variant summary: GRIP1 c.1496G>A (p.Ser499Asn) results in a conservative amino acid change located in the PDZ domain (IPR001478) of the encoded protein sequence. Four of five in-silico tools predict a benign effect of the variant on protein function. The variant was absent in 249580 control chromosomes. The available data on variant occurrences in the general population are insufficient to allow any conclusion about variant significance. To our knowledge, no occurrence of c.1496G>A in individuals affected with Cryptophthalmos Syndrome and no experimental evidence demonstrating its impact on protein function have been reported. No submitters have cited clinical-significance assessments for this variant to ClinVar. Based on the evidence outlined above, the variant was classified as uncertain significance.